The following is an entry in ClinVar:

NM_001035.3(RYR2):c.2466T>C (p.Cys822=)

Gene: RYR2 (ryanodine receptor 2; plus strand). Cytogenetic location: 1q43.
Variant type: single nucleotide variant.
Coding change: c.2466T>C on transcript NM_001035.3 (MANE Select); coding-DNA position 2466, T replaced by C.
Protein change: p.Cys822=; no amino-acid change (cysteine 822 retained).
Molecular consequence: synonymous variant.
Genome position (GRCh38, 1-based): chr1:237,503,358, T>C. VCF-style: chr1-237503358-T-C. GRCh37 (hg19) VCF-style: chr1-237666658-T-C.
Identifiers: ClinVar variation 3074681 (VCV003074681.1), dbSNP rs2545890616, ClinGen allele CA423816383.
Genomic context (GRCh38, chr1:237,503,358, plus strand): 5'-TCTGCTTGGAGGGCGACATGGAGAATTCAAATTTCTTCCTCCACCTGGGTATGCTCCTTG[T>C]TATGAAGCTGTTCTGCCAAAAGAAAAGTTGAAAGTGGAACACAGCCGAGAGTACAAGCAA-3'
Protein context (NP_001026.2, residues 812-832): KFLPPPGYAP[Cys822=]YEAVLPKEKL

ClinVar aggregate classification (germline): Likely benign (1 of 4 stars; one submission).

Conditions:
Catecholaminergic polymorphic ventricular tachycardia (CVPT). Also called: Catecholamine-induced polymorphic ventricular tachycardia. Identifiers: Orphanet 3286, MedGen C5574922, MONDO:0017990.

Submission:

All of Us Research Program, National Institutes of Health
Classification: Likely benign for Catecholaminergic polymorphic ventricular tachycardia. Last evaluated: 2023-11-20. Review status: criteria provided, single submitter. Criteria: ACMG Guidelines, 2015. Collection method: clinical testing. Allele origin: germline. Inheritance: Autosomal dominant inheritance. Observed: 1 variant allele, 1 heterozygote.
Comment: This study involves interpretation of variants in research participants for the purpose of population health screening. Participant phenotype was not available at the time of variant classification. Additional details can be found in publication PMID: 35346344, PMCID: PMC8962531